The following is an entry in ClinVar:

ClinVar aggregate classification (germline): Uncertain significance (1 of 4 stars; one submission).

Allele frequency attached by ClinVar (database versions not stated): gnomAD 0.00002 and 0.00007; TOPMed 0.00003; gnomAD exomes 0.00008; ExAC 0.00010; 1000 Genomes Project 30x 0.00016; 1000 Genomes Project 0.00020.

Submission:

Labcorp Genetics (formerly Invitae), Labcorp
Classification: Uncertain significance. Last evaluated: 2022-07-23. Review status: criteria provided, single submitter. Criteria: Invitae Variant Classification Sherloc (09022015). Collection method: clinical testing. Allele origin: germline.
Comment: This sequence change replaces serine, which is neutral and polar, with asparagine, which is neutral and polar, at codon 1295 of the RUSC2 protein (p.Ser1295Asn). This variant is present in population databases (rs542110412, gnomAD 0.1%). This variant has not been reported in the literature in individuals affected with RUSC2-related conditions. ClinVar contains an entry for this variant (Variation ID: 1470272). Algorithms developed to predict the effect of missense changes on protein structure and function (SIFT, PolyPhen-2, Align-GVGD) all suggest that this variant is likely to be tolerated. In summary, the available evidence is currently insufficient to determine the role of this variant in disease. Therefore, it has been classified as a Variant of Uncertain Significance.

NM_014806.5(RUSC2):c.3884G>A (p.Ser1295Asn)

Gene: RUSC2 (RUN and SH3 domain containing 2; plus strand). Cytogenetic location: 9p13.3.
Variant type: single nucleotide variant.
Coding change: c.3884G>A on transcript NM_014806.5 (MANE Select); coding-DNA position 3884, G replaced by A.
Protein change: p.Ser1295Asn; replaces serine 1295 with asparagine.
Molecular consequence: missense variant. On other transcripts: non-coding transcript variant (1).
Genome position (GRCh38, 1-based): chr9:35,560,524, G>A. VCF-style: chr9-35560524-G-A. GRCh37 (hg19) VCF-style: chr9-35560521-G-A.
Other names: c.3884G>A, p.Ser1295Asn (NM_001135999.2); c.1250G>A, p.Ser417Asn (NM_001330740.2); short protein forms S1295N, S417N.
Identifiers: ClinVar variation 1470272 (VCV001470272.3), dbSNP rs542110412, ClinGen allele CA5044260.